The following is an entry in ClinVar:

NM_006914.4(RORB):c.817G>A (p.Val273Met)

Gene: RORB (RAR related orphan receptor B; plus strand). Cytogenetic location: 9q21.13.
Variant type: single nucleotide variant.
Coding change: c.817G>A on transcript NM_006914.4 (MANE Select); coding-DNA position 817, G replaced by A.
Protein change: p.Val273Met; replaces valine 273 with methionine.
Molecular consequence: missense variant.
Genome position (GRCh38, 1-based): chr9:74,662,531, G>A. VCF-style: chr9-74662531-G-A. GRCh37 (hg19) VCF-style: chr9-77277447-G-A.
Other names: c.850G>A, p.Val284Met (NM_001365023.1); short protein forms V273M, V284M.
Identifiers: ClinVar variation 3686751 (VCV003686751.3).

ClinVar aggregate classification (germline): Conflicting classifications of pathogenicity. Review status: criteria provided, conflicting classifications (1 of 4 stars). 2 submissions from 2 submitters: Pathogenic (1); Uncertain significance (1). Last evaluated 2025-02-16.

Submissions (2):

Laboratory of Genetics, Children's Clinical University Hospital Latvia
Classification: Pathogenic. Last evaluated: 2025-02-16. Review status: criteria provided, single submitter. Criteria: ACMG Guidelines, 2015. Collection method: clinical testing. Allele origin: germline. Affected: yes.

Labcorp Genetics (formerly Invitae), Labcorp
Classification: Uncertain significance. Last evaluated: 2024-04-16. Review status: criteria provided, single submitter. Criteria: Invitae Variant Classification Sherloc (09022015). Collection method: clinical testing. Allele origin: germline.
Comment: This sequence change replaces valine, which is neutral and non-polar, with methionine, which is neutral and non-polar, at codon 273 of the RORB protein (p.Val273Met). This variant is not present in population databases (gnomAD no frequency). This variant has not been reported in the literature in individuals affected with RORB-related conditions. An algorithm developed to predict the effect of missense changes on protein structure and function (PolyPhen-2) suggests that this variant is likely to be disruptive. In summary, the available evidence is currently insufficient to determine the role of this variant in disease. Therefore, it has been classified as a Variant of Uncertain Significance.